The following is an entry in ClinVar:

NM_032043.3(BRIP1):c.97C>G (p.Leu33Val)

Gene: BRIP1 (BRCA1 interacting DNA helicase 1; minus strand). Cytogenetic location: 17q23.2.
Variant type: single nucleotide variant.
Coding change: c.97C>G on transcript NM_032043.3 (MANE Select); coding-DNA position 97, C replaced by G.
Protein change: p.Leu33Val; replaces leucine 33 with valine.
Molecular consequence: missense variant.
Genome position (GRCh38, 1-based): chr17:61,859,904, G>C on the plus strand (C>G on the coding strand, the complement: BRIP1 is on the minus strand). VCF-style: chr17-61859904-G-C. GRCh37 (hg19) VCF-style: chr17-59937265-G-C.
Other names: short protein forms L33V.
Identifiers: ClinVar variation 2952515 (VCV002952515.3), dbSNP rs772319724, ClinGen allele CA400485878.
Genomic context (GRCh38, chr17:61,859,904, plus strand): 5'-TTTTTCCACTTCCTGTGGGACTCTCCAACAAACAATGTTGCTTGCTGTTTAATCCTCTGA[G>C]AATCTATGAACACAGAAACCAATGAAAATAATAAACATATTAACTTTATAAAGGTCTCTC-3'
Protein context (NP_114432.2, residues 23-43): PSQLAMMNSI[Leu33Val]RGLNSKQHCL

ClinVar aggregate classification (germline): Uncertain significance (1 of 4 stars; one submission).

Conditions:
Familial cancer of breast. Also called: BREAST CANCER, FAMILIAL; hereditary breast carcinoma; Hereditary breast cancer. Identifiers: Orphanet 227535, MedGen C0346153, MONDO:0016419, OMIM 114480. Disease mechanism: loss of function.
Fanconi anemia complementation group J. Also called: BRIP1-Related Fanconi Anemia. Identifiers: Orphanet 84, MedGen C1836860, MONDO:0012187, OMIM 609054.

Submission:

Labcorp Genetics (formerly Invitae), Labcorp
Classification: Uncertain significance for Familial cancer of breast; Fanconi anemia complementation group J. Last evaluated: 2023-10-04. Review status: criteria provided, single submitter. Criteria: Invitae Variant Classification Sherloc (09022015). Collection method: clinical testing. Allele origin: germline.
Comment: This sequence change replaces leucine, which is neutral and non-polar, with valine, which is neutral and non-polar, at codon 33 of the BRIP1 protein (p.Leu33Val). This variant is not present in population databases (gnomAD no frequency). This variant has not been reported in the literature in individuals affected with BRIP1-related conditions. Advanced modeling of protein sequence and biophysical properties (such as structural, functional, and spatial information, amino acid conservation, physicochemical variation, residue mobility, and thermodynamic stability) performed at Invitae indicates that this missense variant is not expected to disrupt BRIP1 protein function. In summary, the available evidence is currently insufficient to determine the role of this variant in disease. Therefore, it has been classified as a Variant of Uncertain Significance.